The following is an entry in ClinVar:

ClinVar aggregate classification (germline): Benign/Likely benign. Review status: criteria provided, multiple submitters, no conflicts (2 of 4 stars). 3 submissions from 3 submitters: Benign (1); Likely benign (2). Last evaluated 2025-10-05.

Conditions:
Peutz-Jeghers syndrome (PJS). Also called: Peutz-Jeghers polyposis; Periorificial lentiginosis syndrome; POLYPOSIS, HAMARTOMATOUS INTESTINAL; POLYPS-AND-SPOTS SYNDROME. Identifiers: Orphanet 2869, MedGen C0031269, MeSH D010580, MONDO:0008280, OMIM 175200.
Hereditary cancer-predisposing syndrome. Also called: Hereditary Cancer Syndrome; Tumor predisposition; Neoplastic Syndromes, Hereditary; Hereditary neoplastic syndrome. Identifiers: Orphanet 140162, MedGen C0027672, MeSH D009386, MONDO:0015356.

gnomAD v4.1: 1 of 1,611,308 alleles (0.000062%); highest among the groups gnomAD compares: Non-Finnish European, 0.000085%; no homozygotes.

Submissions (3):

Labcorp Genetics (formerly Invitae), Labcorp
Classification: Likely benign for Peutz-Jeghers syndrome. Last evaluated: 2025-10-05. Review status: criteria provided, single submitter. Criteria: Invitae Variant Classification Sherloc (09022015). Collection method: clinical testing. Allele origin: germline.

Myriad Genetics, Inc.
Classification: Benign for Peutz-Jeghers syndrome. Last evaluated: 2025-03-24. Review status: criteria provided, single submitter. Criteria: Myriad Autosomal Dominant, Autosomal Recessive and X-Linked Classification Criteria (2023). Collection method: clinical testing. Allele origin: unknown.
Comment: This variant is considered benign. This variant is a silent/synonymous amino acid change and it is not expected to impact splicing.

Ambry Genetics
Classification: Likely benign for Hereditary cancer-predisposing syndrome. Last evaluated: 2025-01-05. Review status: criteria provided, single submitter. Criteria: Ambry Variant Classification Scheme 2023. Collection method: clinical testing. Allele origin: germline.

NM_000455.5(STK11):c.57G>A (p.Ser19=)

Gene: STK11 (serine/threonine kinase 11; plus strand). Cytogenetic location: 19p13.3.
Variant type: single nucleotide variant.
Coding change: c.57G>A on transcript NM_000455.5 (MANE Select); coding-DNA position 57, G replaced by A.
Protein change: p.Ser19=; no amino-acid change (serine 19 retained).
Molecular consequence: synonymous variant.
Genome position (GRCh38, 1-based): chr19:1,206,970, G>A. VCF-style: chr19-1206970-G-A. GRCh37 (hg19) VCF-style: chr19-1206969-G-A.
Other names: c.57G>A (NM_000455.4).
Identifiers: ClinVar variation 1630564 (VCV001630564.10), dbSNP rs748698151, ClinGen allele CA504706085.